The following is an entry in ClinVar:

ClinVar aggregate classification (germline): Uncertain significance. Review status: criteria provided, multiple submitters, no conflicts (2 of 4 stars). 2 submissions from 2 submitters: Uncertain significance (2). Last evaluated 2024-11-14.

gnomAD v4.1: 10 of 1,612,972 alleles (0.00062%); highest among the groups gnomAD compares: Non-Finnish European, 0.00085%; no homozygotes.

Submissions (2):

Labcorp Genetics (formerly Invitae), Labcorp
Classification: Uncertain significance. Last evaluated: 2024-11-14. Review status: criteria provided, single submitter. Criteria: Invitae Variant Classification Sherloc (09022015). Collection method: clinical testing. Allele origin: germline.
Comment: This sequence change replaces histidine, which is basic and polar, with aspartic acid, which is acidic and polar, at codon 167 of the TGFB1 protein (p.His167Asp). This variant is not present in population databases (gnomAD no frequency). This variant has not been reported in the literature in individuals affected with TGFB1-related conditions. ClinVar contains an entry for this variant (Variation ID: 2851791). Invitae Evidence Modeling of protein sequence and biophysical properties (such as structural, functional, and spatial information, amino acid conservation, physicochemical variation, residue mobility, and thermodynamic stability) indicates that this missense variant is not expected to disrupt TGFB1 protein function with a negative predictive value of 80%. In summary, the available evidence is currently insufficient to determine the role of this variant in disease. Therefore, it has been classified as a Variant of Uncertain Significance.

Blueprint Genetics
Classification: Uncertain significance. Last evaluated: 2024-05-20. Review status: criteria provided, single submitter. Criteria: ACMG Guidelines, 2015. Collection method: clinical testing. Allele origin: germline.

NM_000660.7(TGFB1):c.499C>G (p.His167Asp)

Gene: TGFB1 (transforming growth factor beta 1; minus strand). Cytogenetic location: 19q13.2.
Variant type: single nucleotide variant.
Coding change: c.499C>G on transcript NM_000660.7 (MANE Select); coding-DNA position 499, C replaced by G.
Protein change: p.His167Asp; replaces histidine 167 with aspartic acid.
Molecular consequence: missense variant.
Genome position (GRCh38, 1-based): chr19:41,348,312, G>C on the plus strand (C>G on the coding strand, the complement: TGFB1 is on the minus strand). VCF-style: chr19-41348312-G-C. GRCh37 (hg19) VCF-style: chr19-41854217-G-C.
Other names: short protein forms H167D.
Identifiers: ClinVar variation 2851791 (VCV002851791.4), dbSNP rs2513386857, ClinGen allele CA406003501.